The following is an entry in ClinVar:

ClinVar aggregate classification (germline): Uncertain significance (1 of 4 stars; one submission).

Submission:

Labcorp Genetics (formerly Invitae), Labcorp
Classification: Uncertain significance. Last evaluated: 2024-10-07. Review status: criteria provided, single submitter. Criteria: Invitae Variant Classification Sherloc (09022015). Collection method: clinical testing. Allele origin: germline.
Comment: This sequence change replaces lysine, which is basic and polar, with arginine, which is basic and polar, at codon 216 of the HAND2 protein (p.Lys216Arg). This variant is not present in population databases (gnomAD no frequency). This variant has not been reported in the literature in individuals affected with HAND2-related conditions. ClinVar contains an entry for this variant (Variation ID: 2074534). An algorithm developed to predict the effect of missense changes on protein structure and function (PolyPhen-2) suggests that this variant is likely to be disruptive. In summary, the available evidence is currently insufficient to determine the role of this variant in disease. Therefore, it has been classified as a Variant of Uncertain Significance.

NM_021973.3(HAND2):c.647A>G (p.Lys216Arg)

Gene: HAND2 (heart and neural crest derivatives expressed 2; minus strand). Cytogenetic location: 4q34.1.
Variant type: single nucleotide variant.
Coding change: c.647A>G on transcript NM_021973.3 (MANE Select); coding-DNA position 647, A replaced by G.
Protein change: p.Lys216Arg; replaces lysine 216 with arginine.
Molecular consequence: missense variant.
Genome position (GRCh38, 1-based): chr4:173,527,284, T>C on the plus strand (A>G on the coding strand, the complement: HAND2 is on the minus strand). VCF-style: chr4-173527284-T-C. GRCh37 (hg19) VCF-style: chr4-174448435-T-C.
Other names: short protein forms K216R.
Identifiers: ClinVar variation 2074534 (VCV002074534.4), dbSNP rs2477190315, ClinGen allele CA358758040.